The following is an entry in ClinVar:

NM_001719.3(BMP7):c.478C>G (p.Leu160Val)

Gene: BMP7 (bone morphogenetic protein 7; minus strand). Cytogenetic location: 20q13.31.
Variant type: single nucleotide variant.
Coding change: c.478C>G on transcript NM_001719.3 (MANE Select); coding-DNA position 478, C replaced by G.
Protein change: p.Leu160Val; replaces leucine 160 with valine.
Molecular consequence: missense variant.
Genome position (GRCh38, 1-based): chr20:57,228,362, G>C on the plus strand (C>G on the coding strand, the complement: BMP7 is on the minus strand). VCF-style: chr20-57228362-G-C. GRCh37 (hg19) VCF-style: chr20-55803418-G-C.
Other names: short protein forms L160V.
Identifiers: ClinVar variation 2044967 (VCV002044967.4), dbSNP rs202227032, ClinGen allele CA409703354.
Genomic context (GRCh38, chr20:57,228,362, plus strand): 5'-AGTCCTTGTAGATCCGGAATTCGGCTGCCGTGACAGCTTCCCCTTCTGGGATCTTGGAAA[G>C]ATCAAACCGGAACTCTCGATGGTGGTAGCGTGGGTGGAAGAATTCCTTGTCATGTTCCAC-3'
Protein context (NP_001710.1, residues 150-170): RYHHREFRFD[Leu160Val]SKIPEGEAVT

ClinVar aggregate classification (germline): Uncertain significance (1 of 4 stars; one submission).

gnomAD v4.1: 9 of 1,614,042 alleles (0.00056%); highest among the groups gnomAD compares: African/African-American, 0.0013%; no homozygotes.

Submission:

Labcorp Genetics (formerly Invitae), Labcorp
Classification: Uncertain significance. Last evaluated: 2022-07-03. Review status: criteria provided, single submitter. Criteria: Invitae Variant Classification Sherloc (09022015). Collection method: clinical testing. Allele origin: germline.
Comment: This sequence change replaces leucine, which is neutral and non-polar, with valine, which is neutral and non-polar, at codon 160 of the BMP7 protein (p.Leu160Val). In summary, the available evidence is currently insufficient to determine the role of this variant in disease. Therefore, it has been classified as a Variant of Uncertain Significance. Algorithms developed to predict the effect of missense changes on protein structure and function are either unavailable or do not agree on the potential impact of this missense change (SIFT: "Tolerated"; PolyPhen-2: "Possibly Damaging"; Align-GVGD: "Class C0"). This variant has not been reported in the literature in individuals affected with BMP7-related conditions. This variant is present in population databases (no rsID available, gnomAD 0.002%).